The following is an entry in ClinVar:

ClinVar aggregate classification (germline): Uncertain significance (1 of 4 stars; one submission).

Submission:

Labcorp Genetics (formerly Invitae), Labcorp
Classification: Uncertain significance. Last evaluated: 2024-05-28. Review status: criteria provided, single submitter. Criteria: Invitae Variant Classification Sherloc (09022015). Collection method: clinical testing. Allele origin: germline.
Comment: This sequence change replaces valine, which is neutral and non-polar, with leucine, which is neutral and non-polar, at codon 215 of the EFTUD2 protein (p.Val215Leu). This variant is not present in population databases (gnomAD no frequency). This variant has not been reported in the literature in individuals affected with EFTUD2-related conditions. Advanced modeling of protein sequence and biophysical properties (such as structural, functional, and spatial information, amino acid conservation, physicochemical variation, residue mobility, and thermodynamic stability) performed at Invitae indicates that this missense variant is expected to disrupt EFTUD2 protein function with a positive predictive value of 80%. In summary, the available evidence is currently insufficient to determine the role of this variant in disease. Therefore, it has been classified as a Variant of Uncertain Significance.

NM_004247.4(EFTUD2):c.643G>C (p.Val215Leu)

Gene: EFTUD2 (elongation factor Tu GTP binding domain containing 2; minus strand). Cytogenetic location: 17q21.31.
Variant type: single nucleotide variant.
Coding change: c.643G>C on transcript NM_004247.4 (MANE Select); coding-DNA position 643, G replaced by C.
Protein change: p.Val215Leu; replaces valine 215 with leucine.
Molecular consequence: missense variant.
Genome position (GRCh38, 1-based): chr17:44,879,615, C>G on the plus strand (G>C on the coding strand, the complement: EFTUD2 is on the minus strand). VCF-style: chr17-44879615-C-G. GRCh37 (hg19) VCF-style: chr17-42956983-C-G.
Other names: c.538G>C, p.Val180Leu (NM_001142605.2); c.643G>C, p.Val215Leu (NM_001258353.2); c.613G>C, p.Val205Leu (NM_001258354.2); short protein forms V180L, V205L, V215L.
Identifiers: ClinVar variation 3665443 (VCV003665443.2).
Genomic context (GRCh38, chr17:44,879,615, plus strand): 5'-CCCCCTCAGCAGCATCAATGAAAAGGACCACTCCATCTGAGATGCGCAAGCCAGCTGTGA[C>G]CTCATCAGAGAAATTCACATGTCCTGAAAAGCAAATACTAAGTAAGTCATCACTTGGTGC-3'
Protein context (NP_004238.3, residues 205-225): TPGHVNFSDE[Val215Leu]TAGLRISDGV